The following is an entry in ClinVar:

ClinVar aggregate classification (germline): Likely pathogenic (1 of 4 stars; one submission).

Conditions:
Dyskeratosis congenita, autosomal dominant 2. Identifiers: MedGen C3151443, MONDO:0013521, OMIM 613989.
Idiopathic Pulmonary Fibrosis. Also called: Idiopathic fibrosing alveolitis, chronic form; idiopathic fibrosing alveolitis. Identifiers: Orphanet 2032, MedGen C1800706, MeSH D054990, MONDO:0800504.

Submission:

Labcorp Genetics (formerly Invitae), Labcorp
Classification: Likely pathogenic for Dyskeratosis congenita, autosomal dominant 2; Idiopathic Pulmonary Fibrosis. Last evaluated: 2023-07-08. Review status: criteria provided, single submitter. Criteria: Invitae Variant Classification Sherloc (09022015). Collection method: clinical testing. Allele origin: germline.
Comment: Algorithms developed to predict the effect of sequence changes on RNA splicing suggest that this variant may disrupt the consensus splice site. This variant has not been reported in the literature in individuals affected with TERT-related conditions. This variant is not present in population databases (gnomAD no frequency). This sequence change affects a donor splice site in intron 12 of the TERT gene. It is expected to disrupt RNA splicing. Variants that disrupt the donor or acceptor splice site typically lead to a loss of protein function (PMID: 16199547), and loss-of-function variants in TERT are known to be pathogenic (PMID: 16247010, 17460043). In summary, the currently available evidence indicates that the variant is pathogenic, but additional data are needed to prove that conclusively. Therefore, this variant has been classified as Likely Pathogenic.

Literature cited by the submitters: PubMed 16199547; PubMed 16247010; PubMed 17460043.

NM_198253.3(TERT):c.2970+1G>A

Gene: TERT (telomerase reverse transcriptase; minus strand). Cytogenetic location: 5p15.33.
Variant type: single nucleotide variant.
Coding change: c.2970+1G>A on transcript NM_198253.3 (MANE Select); the canonical splice donor site of the intron after coding-DNA position 2970, G replaced by A.
Molecular consequence: splice donor variant.
Genome position (GRCh38, 1-based): chr5:1,260,473, C>T on the plus strand (G>A on the coding strand, the complement: TERT is on the minus strand). VCF-style: chr5-1260473-C-T. GRCh37 (hg19) VCF-style: chr5-1260588-C-T.
Other names: c.2781+1G>A (NM_001193376.3).
Identifiers: ClinVar variation 2942017 (VCV002942017.3), dbSNP rs2478128940, ClinGen allele CA359069534.
Genomic context (GRCh38, chr5:1,260,473, plus strand): 5'-CACATACTTGCGCACACACCTCCTGAACTCTGAACTCTGTGCTGACCATCAGCCTGCTCA[C>T]CTGCAAATCCAGAAACAGGCTGTGACACTTCAGCCGCAAGACCCCAAAGAGTTTGCGACG-3'